The following is an entry in ClinVar:

NM_002615.7(SERPINF1):c.925_926del (p.Gln309fs)

Gene: SERPINF1 (serpin family F member 1; plus strand). Cytogenetic location: 17p13.3.
Variant type: Deletion.
Coding change: c.925_926del on transcript NM_002615.7 (MANE Select); coding-DNA positions 925 to 926, 2 bases deleted (CA; older notation c.925_926delCA).
Protein change: p.Gln309fs; shifts the reading frame from glutamine 309.
Molecular consequence: frameshift variant.
Genome position (GRCh38, 1-based): chr17:1,776,670-1,776,671, CA deleted. VCF-style (leftmost placement, unchanged base first): chr17-1776669-GCA-G. GRCh37 (hg19) VCF-style: chr17-1679963-GCA-G.
Other names: c.925_926del, p.Gln309fs (NM_001329903.2); c.364_365del, p.Gln122fs (NM_001329904.2, NM_001329905.2); c.925_926delCA (NM_002615.7); short protein forms Q122fs, Q309fs.
Identifiers: ClinVar variation 870122 (VCV000870122.2), dbSNP rs1908050941, ClinGen allele CA1139665052.

ClinVar aggregate classification (germline): Pathogenic (1 of 4 stars; one submission).

Conditions:
Osteogenesis imperfecta (OI). Identifiers: Orphanet 666, MedGen C0029434, MeSH D010013, MONDO:0019019.

Submission:

Genetics Department, Polish Mother's Memorial Hospital Research Institute
Classification: Pathogenic for Osteogenesis imperfecta. Last evaluated: 2020-04-06. Review status: criteria provided, single submitter. Criteria: ACMG Guidelines, 2015. Collection method: research. Allele origin: de novo. Affected: yes. Observed: 1 variant allele.
Comment: Variant c.925_926delCA occurred de novo.